The following is an entry in ClinVar:

NM_000018.4(ACADVL):c.538G>A (p.Ala180Thr)

Gene: ACADVL (acyl-CoA dehydrogenase very long chain; plus strand). Cytogenetic location: 17p13.1.
Variant type: single nucleotide variant.
Coding change: c.538G>A on transcript NM_000018.4 (MANE Select); coding-DNA position 538, G replaced by A.
Protein change: p.Ala180Thr; replaces alanine 180 with threonine.
Molecular consequence: missense variant.
Genome position (GRCh38, 1-based): chr17:7,221,598, G>A. VCF-style: chr17-7221598-G-A. GRCh37 (hg19) VCF-style: chr17-7124917-G-A.
Other names: p.A180T:GCC>ACC; NM_000018.4(ACADVL):c.538G>A; c.472G>A, p.Ala158Thr (NM_001033859.3); c.607G>A, p.Ala203Thr (NM_001270447.2); c.310G>A, p.Ala104Thr (NM_001270448.2); short protein forms A180T, A158T, A104T, A203T.
Identifiers: ClinVar variation 166641 (VCV000166641.38), dbSNP rs727503791, ClinGen allele CA295584.

ClinVar aggregate classification (germline): Likely pathogenic. Review status: reviewed by expert panel (3 of 4 stars). 11 submissions from 11 submitters: Likely pathogenic (1). 10 of the submissions do not count toward it. Last evaluated 2024-04-23.

Conditions:
Very long chain acyl-CoA dehydrogenase deficiency (ACADVLD). Also called: VLCAD Deficiency; Very Long-Chain Acyl-Coenzyme A Dehydrogenase Deficiency. Identifiers: Orphanet 26793, MedGen C3887523, MONDO:0008723, OMIM 201475.

Allele frequency attached by ClinVar (database versions not stated): gnomAD exomes 0.00001 and 0.00002; gnomAD 0.00001; TOPMed 0.00002; ExAC 0.00002.
gnomAD v4.1: 25 of 1,613,962 alleles (0.0015%); highest among the groups gnomAD compares: East Asian, 0.0045%; no homozygotes.

Submissions (11):

ClinGen ACADVL Variant Curation Expert Panel, ClinGen
Classification: Likely pathogenic for Very long chain acyl-CoA dehydrogenase deficiency. Last evaluated: 2024-04-23. Review status: reviewed by expert panel. Criteria: clingen acadvl acmg specifications v1. Collection method: curation. Allele origin: germline. Inheritance: Autosomal recessive inheritance.
Comment: The c.538G>A (NM_000018.4) variant in ACADVL is a missense variant predicted to cause substitution of alanine by threonine at amino acid 180 (p.Ala180Thr). This variant has been reported in patients affected with very-long chain acyl-CoA dehydrogenase (VLCAD) deficiency, and elevated C14:1 and reduced VLCAD activity measured in patient lymphocytes (PP4_Moderate, PMID: 26385305, 31844625, 32778825, 30194637). At least one individual was compound heterozygote with a second ACADVL variant, at least one of these variants is confirmed in trans and approved by the ACADVL VCEP as likely pathogenic (PM3, 1 point, PMID: 31844625, 30194637). The highest population minor allele frequency in gnomAD is 0.00003 in the Latino population, which is lower than the ClinGen ACADVL Variant Curation Expert Panel threshold (<0.001) for PM2_Supporting, meeting this criterion (PM2_Supporting). The computational predictor REVEL gives a score of 0.92, which is above the threshold of 0.75, evidence that correlates with impact to ACADVL function (PP3). In summary, this variant meets the criteria to be classified as likely pathogenic for autosomal recessive VLCAD deficiency based on the ACMG/AMP criteria applied, as specified by the ClinGen ACADVL Variant Curation Expert Panel: PM2_Supporting, PM3, PP3, PP4_Moderate (ACADVL VCEP specifications version 1; approved November 9, 2021). This variant was originally curated December 14, 2022 and the recurated classification was approved by the expert panel on April 23, 2023.

Women's Health and Genetics/Laboratory Corporation of America, LabCorp
Classification: Pathogenic for Very long chain acyl-CoA dehydrogenase deficiency. Last evaluated: 2026-05-22. Review status: criteria provided, single submitter. Criteria: LabCorp Variant Classification Summary - May 2015. Collection method: clinical testing. Allele origin: germline. Not counted in ClinVar's aggregate classification.
Comment: Variant summary: ACADVL c.538G>A (p.Ala180Thr) results in a non-conservative amino acid change located in the Acyl-CoA dehydrogenase/oxidase, N-terminal domain (IPR013786) of the encoded protein sequence. Algorithms developed to predict the effect of missense changes on protein structure and function all suggest that this variant is likely to be disruptive. The variant allele was found at a frequency of 1.2e-05 in 251462 control chromosomes. c.538G>A has been observed in multiple individuals affected with Very Long Chain Acyl-CoA Dehydrogenase Deficiency (Janzen_2017, Osawa_2022, Tajima_2024). These data indicate that the variant is very likely to be associated with disease. At least one publication reports experimental evidence evaluating an impact on protein function (Hesse_2018). The most pronounced variant effect results in 3% of normal activity. The following publications have been ascertained in the context of this evaluation (PMID: 30194637, 29268767, 26385305, 35400565, 38390979, 41257776). ClinVar contains an entry for this variant (Variation ID: 166641). Based on the evidence outlined above, the variant was classified as pathogenic.

Labcorp Genetics (formerly Invitae), Labcorp
Classification: Pathogenic for Very long chain acyl-CoA dehydrogenase deficiency. Last evaluated: 2025-12-31. Review status: criteria provided, single submitter. Criteria: Invitae Variant Classification Sherloc (09022015). Collection method: clinical testing. Allele origin: germline. Not counted in ClinVar's aggregate classification.
Comment: This sequence change replaces alanine, which is neutral and non-polar, with threonine, which is neutral and polar, at codon 180 of the ACADVL protein (p.Ala180Thr). This variant is present in population databases (rs727503791, gnomAD 0.003%). This missense change has been observed in individual(s) with clinical features of very long-chain acyl-CoA dehydrogenase deficiency and/or very long-chain acyl-CoA dehydrogenase deficiency and a positive newborn screening result for ACADVL-related disease (PMID: 26385305, 30194637, 32798077; internal data). In at least one individual the data is consistent with being in trans (on the opposite chromosome) from a pathogenic variant. ClinVar contains an entry for this variant (Variation ID: 166641). Invitae Evidence Modeling of protein sequence and biophysical properties (such as structural, functional, and spatial information, amino acid conservation, physicochemical variation, residue mobility, and thermodynamic stability) has been performed for this missense variant. However, the output from this modeling did not meet the statistical confidence thresholds required to predict the impact of this variant on ACADVL protein function. For these reasons, this variant has been classified as Pathogenic.

Department of Genetics of Metabolic Diseases, Institute of Medical & Molecular Genetics, Hospital Universitario Hospital La Paz
Classification: Likely pathogenic for Very long chain acyl-CoA dehydrogenase deficiency. Last evaluated: 2024-09-01. Review status: criteria provided, single submitter. Criteria: ACMG Guidelines, 2015. Collection method: clinical testing. Allele origin: germline. Inheritance: Autosomal recessive inheritance. Affected: yes. Not counted in ClinVar's aggregate classification.
Comment: The variantNM_000018.3:c.538G>A p.(Ala180Thr) in the ACADVL gene is present at low frequency in gnomAD (0.001193%) and computational prediction tools support a deleterious effect on the gene. This variant has been observed in a newborn with NBS C14:1 levels >1,0 μmol/L and Follow-up plasma acylcarnitine analysis consistent with VLCADD, carrying this variant along with a second likely pathogenic variant in trans (PMID: Hidalgo Mayoral I et al., in press).

Baylor Genetics
Classification: Likely pathogenic for Very long chain acyl-CoA dehydrogenase deficiency. Last evaluated: 2024-03-02. Review status: criteria provided, single submitter. Criteria: ACMG Guidelines, 2015. Collection method: clinical testing. Allele origin: unknown. Not counted in ClinVar's aggregate classification.

Revvity Omics, Revvity
Classification: Uncertain significance for Very long chain acyl-CoA dehydrogenase deficiency. Last evaluated: 2024-03-01. Review status: criteria provided, single submitter. Criteria: ACMG Guidelines, 2015. Collection method: clinical testing. Allele origin: germline. Not counted in ClinVar's aggregate classification.

ARUP Laboratories, Molecular Genetics and Genomics, ARUP Laboratories
Classification: Uncertain significance for Very long chain acyl-CoA dehydrogenase deficiency. Last evaluated: 2023-12-13. Review status: criteria provided, single submitter. Criteria: ARUP Molecular Germline Variant Investigation Process 2024. Collection method: clinical testing. Allele origin: germline. Not counted in ClinVar's aggregate classification.
Comment: The ACADVL c.538G>A; p.Ala180Thr variant (rs727503791) is reported in the literature to be significantly enriched in patients with abnormal newborn screening results suggestive of VLCAD deficiency (Miller 2015). This variant is also reported in ClinVar (Variation ID: 166641). It is only found on three alleles in the Genome Aggregation Database (v2.1.1), indicating it is not a common polymorphism. Computational analyses predict that this variant is deleterious (REVEL: 0.916). Due to limited information, the clinical significance of the p.Ala180Thr variant is uncertain at this time. References: Miller MJ et al. Recurrent ACADVL molecular findings in individuals with a positive newborn screen for very long chain acyl-coA dehydrogenase (VLCAD) deficiency in the United States. Mol Genet Metab. 2015 Nov;116(3):139-45. PMID: 26385305.

GeneDx
Classification: Pathogenic. Last evaluated: 2022-09-13. Review status: criteria provided, single submitter. Criteria: GeneDx Variant Classification Process June 2021. Collection method: clinical testing. Allele origin: germline. Affected: yes. Not counted in ClinVar's aggregate classification.
Comment: Not observed at a significant frequency in large population cohorts (gnomAD); In silico analysis supports that this missense variant has a deleterious effect on protein structure/function; This variant is associated with the following publications: (PMID: 32798077, 26385305, 29268767, 30194637, 32778825)

Wong Mito Lab, Molecular and Human Genetics, Baylor College of Medicine
Classification: Likely pathogenic for Very long chain acyl-CoA dehydrogenase deficiency. Last evaluated: 2019-11-01. Review status: criteria provided, single submitter. Criteria: ACMG Guidelines, 2015. Collection method: clinical testing. Allele origin: germline. Not counted in ClinVar's aggregate classification.
Comment: The NM_000018.3:c.538G>A (NP_000009.1:p.Ala180Thr) [GRCH38: NC_000017.11:g.7221598G>A] variant in ACADVL gene is interpretated to be Likely Pathogenic based on ACMG guidelines (PMID: 25741868). This variant has been reported. This variant meets the following evidence codes reported in the ACMG guidelines: PS3, PM1, PP3

Eurofins Ntd Llc (ga)
Classification: Uncertain significance. Last evaluated: 2017-06-23. Review status: criteria provided, single submitter. Criteria: EGL Classification Definitions 2015. Collection method: clinical testing. Allele origin: germline. Observed: 3 variant alleles, 3 heterozygotes. Not counted in ClinVar's aggregate classification.

Counsyl
Classification: Uncertain significance for Very long chain acyl-CoA dehydrogenase deficiency. Last evaluated: 2018-01-16. Review status: no assertion criteria provided. Collection method: clinical testing. Allele origin: unknown. Not counted in ClinVar's aggregate classification.

Literature cited by the submitters: PubMed 26385305 (cited by 4 submitters); PubMed 30194637 (cited by Women's Health and Genetics/Laboratory Corporation of America, LabCorp and Labcorp Genetics (formerly Invitae), Labcorp); PubMed 29268767 (cited by Women's Health and Genetics/Laboratory Corporation of America, LabCorp); PubMed 35400565 (cited by Women's Health and Genetics/Laboratory Corporation of America, LabCorp); PubMed 38390979 (cited by Women's Health and Genetics/Laboratory Corporation of America, LabCorp); PubMed 41257776 (cited by Women's Health and Genetics/Laboratory Corporation of America, LabCorp); PubMed 32798077 (cited by Labcorp Genetics (formerly Invitae), Labcorp); PubMed 41022664 (cited by Department of Genetics of Metabolic Diseases, Institute of Medical & Molecular Genetics, Hospital Universitario Hospital La Paz).